The following is an entry in ClinVar:

ClinVar aggregate classification (germline): Uncertain significance (1 of 4 stars; one submission).

Conditions:
Charcot-Marie-Tooth disease type 2. Also called: Charcot-Marie-Tooth type 2. Identifiers: Orphanet 64746, MedGen C0270914, MONDO:0018993.

Submission:

Labcorp Genetics (formerly Invitae), Labcorp
Classification: Uncertain significance for Charcot-Marie-Tooth disease type 2. Last evaluated: 2022-12-06. Review status: criteria provided, single submitter. Criteria: Invitae Variant Classification Sherloc (09022015). Collection method: clinical testing. Allele origin: germline.
Comment: In summary, the available evidence is currently insufficient to determine the role of this variant in disease. Therefore, it has been classified as a Variant of Uncertain Significance. Advanced modeling of protein sequence and biophysical properties (such as structural, functional, and spatial information, amino acid conservation, physicochemical variation, residue mobility, and thermodynamic stability) has been performed at Invitae for this missense variant, however the output from this modeling did not meet the statistical confidence thresholds required to predict the impact of this variant on GARS protein function. ClinVar contains an entry for this variant (Variation ID: 1680936). This variant has not been reported in the literature in individuals affected with GARS-related conditions. This variant is not present in population databases (gnomAD no frequency). This sequence change replaces cysteine, which is neutral and slightly polar, with arginine, which is basic and polar, at codon 466 of the GARS protein (p.Cys466Arg).

NM_002047.4(GARS1):c.1396T>C (p.Cys466Arg)

Gene: GARS1 (glycyl-tRNA synthetase 1; plus strand). Cytogenetic location: 7p14.3.
Variant type: single nucleotide variant.
Coding change: c.1396T>C on transcript NM_002047.4 (MANE Select); coding-DNA position 1396, T replaced by C.
Protein change: p.Cys466Arg; replaces cysteine 466 with arginine.
Molecular consequence: missense variant.
Genome position (GRCh38, 1-based): chr7:30,621,429, T>C. VCF-style: chr7-30621429-T-C. GRCh37 (hg19) VCF-style: chr7-30661045-T-C.
Other names: c.1234T>C, p.Cys412Arg (NM_001316772.1); short protein forms C412R, C466R.
Identifiers: ClinVar variation 1680936 (VCV001680936.8), dbSNP rs2128135092, ClinGen allele CA367128087.